The following is an entry in ClinVar:

ClinVar aggregate classification (germline): Likely pathogenic (1 of 4 stars; one submission).

Conditions:
Glycogen storage disease, type II (IOPD). Also called: CARDIOMEGALIA GLYCOGENICA DIFFUSA; GLYCOGENOSIS, GENERALIZED, CARDIAC FORM; GSD II; Glycogen storage disease type 2; Acid maltase deficiency disease; Aglucosidase alfa. Identifiers: Orphanet 365, MedGen C0017921, MONDO:0009290, OMIM 232300.

Submission:

Natera, Inc.
Classification: Likely pathogenic for Glycogen storage disease type II. Last evaluated: 2025-04-20. Review status: criteria provided, single submitter. Criteria: Natera Variant Classification Schema (03/2026). Collection method: clinical testing. Allele origin: germline.
Comment: The c.878_894del variant in GAA is a frameshift variant predicted to shift the reading frame beginning at codon 293 and leads to a stop codon 31 codons downstream. This variant is expected to result in nonsense mediated decay, truncation, or a dysfunctional protein product. This variant is rare in the general population with a frequency below the threshold expected for the associated phenotype(s). Given the available evidence, this variant is classified as Likely Pathogenic.

NM_000152.5(GAA):c.878_894del (p.Gly293fs)

Gene: GAA (alpha glucosidase; plus strand). Cytogenetic location: 17q25.3.
Variant type: Deletion.
Coding change: c.878_894del on transcript NM_000152.5 (MANE Select); coding-DNA positions 878 to 894, 17 bases deleted (GGTCTCACCCTTTCTAC).
Protein change: p.Gly293fs; shifts the reading frame from glycine 293.
Molecular consequence: frameshift variant.
Genome position (GRCh38, 1-based): chr17:80,107,819-80,107,835, GGTCTCACCCTTTCTAC deleted. VCF-style (leftmost placement, unchanged base first): chr17-80107818-GGGTCTCACCCTTTCTAC-G. GRCh37 (hg19) VCF-style: chr17-78081617-GGGTCTCACCCTTTCTAC-G.
Other names: c.878_894del, p.Gly293fs (NM_001079803.3, NM_001079804.3, NM_001406741.1 and 1 more transcripts); short protein forms G293fs.
Identifiers: ClinVar variation 4068149 (VCV004068149.2).